The following is an entry in ClinVar:

NM_005876.5(SPEG):c.610G>A (p.Gly204Ser)

Gene: SPEG (striated muscle enriched protein kinase; plus strand). Cytogenetic location: 2q35.
Variant type: single nucleotide variant.
Coding change: c.610G>A on transcript NM_005876.5 (MANE Select); coding-DNA position 610, G replaced by A.
Protein change: p.Gly204Ser; replaces glycine 204 with serine.
Molecular consequence: missense variant.
Genome position (GRCh38, 1-based): chr2:219,444,956, G>A. VCF-style: chr2-219444956-G-A. GRCh37 (hg19) VCF-style: chr2-220309678-G-A.
Other names: c.610G>A (NM_005876.4); short protein forms G204S.
Identifiers: ClinVar variation 2084780 (VCV002084780.2), dbSNP rs1254905973, ClinGen allele CA350711422.
Genomic context (GRCh38, chr2:219,444,956, plus strand): 5'-CAAGTGAGCTGGTGGGGCAGCGGGCAGACGGTCCTGGAGCAGGAAGCGGGCAGTGGGGGT[G>A]GCACCCGCCGCCTCCCGGGCAGCCCAAGGCAAGCACAGGCAACCGGGGCCGGGCCACGGC-3'
Protein context (NP_005867.3, residues 194-214): VLEQEAGSGG[Gly204Ser]TRRLPGSPRQ

ClinVar aggregate classification (germline): Uncertain significance. Review status: criteria provided, multiple submitters, no conflicts (2 of 4 stars). 2 submissions from 2 submitters: Uncertain significance (2). Last evaluated 2025-10-29.

Conditions:
Inborn genetic diseases. Identifiers: MedGen C0950123, MeSH D030342.

Allele frequency attached by ClinVar (database versions not stated): gnomAD exomes 0.00001; gnomAD 0.00001; TOPMed 0.00001.
gnomAD v4.1: 6 of 1,597,800 alleles (0.00038%); highest among the groups gnomAD compares: Admixed American, 0.0017%; no homozygotes.

Submissions (2):

Ambry Genetics
Classification: Uncertain significance for Inborn genetic diseases. Last evaluated: 2025-10-29. Review status: criteria provided, single submitter. Criteria: Ambry Variant Classification Scheme 2023. Collection method: clinical testing. Allele origin: germline.

Labcorp Genetics (formerly Invitae), Labcorp
Classification: Uncertain significance. Last evaluated: 2022-04-12. Review status: criteria provided, single submitter. Criteria: Invitae Variant Classification Sherloc (09022015). Collection method: clinical testing. Allele origin: germline.
Comment: This sequence change replaces glycine, which is neutral and non-polar, with serine, which is neutral and polar, at codon 204 of the SPEG protein (p.Gly204Ser). This variant is present in population databases (no rsID available, gnomAD 0.003%). This variant has not been reported in the literature in individuals affected with SPEG-related conditions. Algorithms developed to predict the effect of missense changes on protein structure and function are either unavailable or do not agree on the potential impact of this missense change (SIFT: "Tolerated"; PolyPhen-2: "Possibly Damaging"; Align-GVGD: "Class C0"). In summary, the available evidence is currently insufficient to determine the role of this variant in disease. Therefore, it has been classified as a Variant of Uncertain Significance.